The following is an entry in ClinVar:

NM_015411.2(SUMF2):c.9G>T (p.Ala3=)

Gene: SUMF2 (sulfatase modifying factor 2; plus strand). Cytogenetic location: 7p11.2.
Variant type: single nucleotide variant.
Coding change: c.9G>T on transcript NM_015411.2; coding-DNA position 9, G replaced by T.
Protein change: p.Ala3=; no amino-acid change (alanine 3 retained).
Genome position (GRCh38, 1-based): chr7:56,064,263, G>T. VCF-style: chr7-56064263-G-T. GRCh37 (hg19) VCF-style: chr7-56131956-G-T.
Identifiers: ClinVar variation 3056694 (VCV003056694.2), dbSNP rs372520789, ClinGen allele CA4269455.

ClinVar aggregate classification (germline): Likely benign (0 of 4 stars; one submission).

Conditions:
SUMF2-related disorder. Also called: SUMF2-related condition.

Allele frequency attached by ClinVar (database versions not stated): ESP Exome Variant Server 0.00031.

Submission:

PreventionGenetics, part of Exact Sciences
Classification: Likely benign for SUMF2-related condition. Last evaluated: 2019-04-30. Review status: no assertion criteria provided. Collection method: clinical testing. Allele origin: germline.
Comment: This variant is classified as likely benign based on ACMG/AMP sequence variant interpretation guidelines (Richards et al. 2015 PMID: 25741868, with internal and published modifications).